The following is an entry in ClinVar:

NM_001365951.3(KIF1B):c.3484A>G (p.Ser1162Gly)

Gene: KIF1B (kinesin family member 1B; plus strand). Cytogenetic location: 1p36.22.
Variant type: single nucleotide variant.
Coding change: c.3484A>G on transcript NM_001365951.3 (MANE Select); coding-DNA position 3484, A replaced by G.
Protein change: p.Ser1162Gly; replaces serine 1162 with glycine.
Molecular consequence: missense variant.
Genome position (GRCh38, 1-based): chr1:10,339,830, A>G. VCF-style: chr1-10339830-A-G. GRCh37 (hg19) VCF-style: chr1-10399888-A-G.
Other names: c.3484A>G, p.Ser1162Gly (NM_001365952.1); c.3346A>G, p.Ser1116Gly (NM_015074.3); short protein forms S1116G, S1162G.
Identifiers: ClinVar variation 2752142 (VCV002752142.4), dbSNP rs2521738104, ClinGen allele CA338341132.

ClinVar aggregate classification (germline): Uncertain significance. Review status: criteria provided, multiple submitters, no conflicts (2 of 4 stars). 2 submissions from 2 submitters: Uncertain significance (2). Last evaluated 2024-09-16.

Conditions:
Charcot-Marie-Tooth disease type 2. Also called: Charcot-Marie-Tooth type 2. Identifiers: Orphanet 64746, MedGen C0270914, MONDO:0018993.

Submissions (2):

Ambry Genetics
Classification: Uncertain significance. Last evaluated: 2024-09-16. Review status: criteria provided, single submitter. Criteria: Ambry Variant Classification Scheme 2023. Collection method: clinical testing. Allele origin: germline.
Comment: The p.S1116G variant (also known as c.3346A>G), located in coding exon 29 of the KIF1B gene, results from an A to G substitution at nucleotide position 3346. The serine at codon 1116 is replaced by glycine, an amino acid with similar properties. This amino acid position is conserved. In addition, this alteration is predicted to be tolerated by in silico analysis. Based on the available evidence, the clinical significance of this variant remains unclear.

Labcorp Genetics (formerly Invitae), Labcorp
Classification: Uncertain significance for Charcot-Marie-Tooth disease type 2. Last evaluated: 2023-04-19. Review status: criteria provided, single submitter. Criteria: Invitae Variant Classification Sherloc (09022015). Collection method: clinical testing. Allele origin: germline.
Comment: In summary, the available evidence is currently insufficient to determine the role of this variant in disease. Therefore, it has been classified as a Variant of Uncertain Significance. An algorithm developed to predict the effect of missense changes on protein structure and function (PolyPhen-2) suggests that this variant is likely to be tolerated. This variant has not been reported in the literature in individuals affected with KIF1B-related conditions. This variant is not present in population databases (gnomAD no frequency). This sequence change replaces serine, which is neutral and polar, with glycine, which is neutral and non-polar, at codon 1116 of the KIF1B protein (p.Ser1116Gly).